The following is an entry in ClinVar:

ClinVar aggregate classification (germline): Pathogenic/Likely pathogenic. Review status: criteria provided, multiple submitters, no conflicts (2 of 4 stars). 29 submissions from 26 submitters: Pathogenic (20); Likely pathogenic (2). 7 of the submissions do not count toward it. Last evaluated 2025-12-15.

Conditions:
Congenital portosystemic shunt. Identifiers: Orphanet 480531, MedGen C1290495, MONDO:0018811.
SLC26A4-related disorder. Also called: SLC26A4-related condition; SLC26A4-related disorders.
Rare genetic deafness. Identifiers: Orphanet 96210, MedGen C5680250.
Pendred syndrome (PDS). Also called: Pendred Syndrome (PDS); THYROID DYSHORMONOGENESIS 2B; THYROID HORMONOGENESIS, GENETIC DEFECT IN, 2B; DEAFNESS WITH GOITER; GOITER-DEAFNESS SYNDROME; HYPOTHYROIDISM, CONGENITAL, DUE TO DYSHORMONOGENESIS, 2B. Identifiers: Orphanet 705, MedGen C0271829, MONDO:0010134, OMIM 274600.
Autosomal recessive nonsyndromic hearing loss 4 (DFNB4). Also called: Enlarged vestibular aqueduct, digenic; Nonsyndromic enlarged vestibular aqueduct (NSEVA); FOXI1-Related Pendred Syndrome; KCNJ10-Related Pendred Syndrome; NEUROSENSORY NONSYNDROMIC RECESSIVE DEAFNESS 4; DEAFNESS, AUTOSOMAL RECESSIVE 4, WITH ENLARGED VESTIBULAR AQUEDUCT, DIGENIC. Identifiers: Orphanet 90636, MedGen C3538946, MONDO:0010933, OMIM 600791.

Allele frequency attached by ClinVar (database versions not stated): gnomAD 0.00004 and 0.00006; TOPMed 0.00004; ExAC 0.00012; gnomAD exomes 0.00012; 1000 Genomes Project 30x 0.00031; 1000 Genomes Project 0.00040.
gnomAD v4.1: 105 of 1,609,094 alleles (0.0065%); highest among the groups gnomAD compares: East Asian, 0.23%; no homozygotes.

Submissions 1 to 11 of 29:

Labcorp Genetics (formerly Invitae), Labcorp
Classification: Pathogenic. Last evaluated: 2025-12-15. Review status: criteria provided, single submitter. Criteria: Invitae Variant Classification Sherloc (09022015). Collection method: clinical testing. Allele origin: germline.
Comment: This sequence change replaces histidine, which is basic and polar, with arginine, which is basic and polar, at codon 723 of the SLC26A4 protein (p.His723Arg). This variant is present in population databases (rs121908362, gnomAD 0.2%). This missense change has been observed in individual(s) with Pendred syndrome (PMID: 11405873, 17322586, 20583162, 22884721, 23705809, 24338212). In at least one individual the data is consistent with being in trans (on the opposite chromosome) from a pathogenic variant. It has also been observed to segregate with disease in related individuals. ClinVar contains an entry for this variant (Variation ID: 4825). Invitae Evidence Modeling of protein sequence and biophysical properties (such as structural, functional, and spatial information, amino acid conservation, physicochemical variation, residue mobility, and thermodynamic stability) indicates that this missense variant is expected to disrupt SLC26A4 protein function with a positive predictive value of 95%. Experimental studies are conflicting or provide insufficient evidence to determine the effect of this variant on SLC26A4 function (PMID: 20583162). For these reasons, this variant has been classified as Pathogenic.

Keimyung University Dongsan Hospital, Keimyung University School of Medicine
Classification: Likely pathogenic for Autosomal recessive nonsyndromic hearing loss 4. Last evaluated: 2025-11-25. Review status: criteria provided, single submitter. Criteria: ACMG Guidelines, 2015. Collection method: clinical testing. Allele origin: germline. Inheritance: Autosomal recessive inheritance. Affected: yes. Observed: 3 variant alleles, 3 compound heterozygotes. Clinical features observed: Tinnitus (HP:0000360), Preauricular skin furrow (HP:0004450).
Comment: This variant was identified in three affected siblings with enlarged vestibular aqueduct (EVA) from a Korean family. All affected individuals carried the compound heterozygous SLC26A4 variants (c.2168A>G and c.919-2A>G). The phenotype was highly specific for SLC26A4-related hearing loss, including bilateral EVA, sensorineural hearing loss, and vestibular symptoms. Segregation within the family supports pathogenicity. The variant is rare in population databases (PM2) and supported by computational predictions (PP3). Overall ACMG classification: Likely pathogenic.

Natera, Inc.
Classification: Pathogenic for Pendred syndrome. Last evaluated: 2025-11-05. Review status: criteria provided, single submitter. Criteria: Natera Variant Classification Schema (03/2026). Collection method: clinical testing. Allele origin: germline.
Comment: The c.2168A>G variant in SLC26A4 is a missense variant predicted to cause substitution of histidine to arginine at amino acid 723. This variant is rare in the general population with a frequency below the threshold expected for the associated phenotype(s). This variant has been observed in one or more individuals affected with the associated recessive disease, as either homozygous or compound heterozygous with a second variant (PMID: 31427586). Given the available evidence, this variant is classified as Pathogenic.

3billion
Classification: Pathogenic for Autosomal recessive nonsyndromic hearing loss 4. Last evaluated: 2025-07-25. Review status: criteria provided, single submitter. Criteria: ACMG Guidelines, 2015. Collection method: clinical testing. Allele origin: germline. Affected: yes.
Comment: The variant is observed at an extremely low frequency in the gnomAD v4.1.0 dataset (total allele frequency: 0.007%). Predicted Consequence/Location: Missense variant In silico tool predictions suggest damaging effect of the variant on gene or gene product [REVEL: 0.93 (>=0.6, sensitivity 0.68 and specificity 0.92); 3Cnet: 0.99 (> 0.75, sensitivity 0.96 and precision 0.92)]. The same nucleotide change resulting in the same amino acid change has been previously reported as pathogenic/likely pathogenic with strong evidence (ClinVar ID: VCV000004825 /PMID: 9618166 /3billion dataset). The variant has been reported to be in trans with a pathogenic variant as either compound heterozygous or homozygous in at least 2 similarly affected unrelated individuals (PMID: 23918157). Different missense changes at the same codon (p.His723Asp, p.His723Tyr) have been reported as pathogenic/likely pathogenic with strong evidence (ClinVar ID: VCV000949741 /PMID: 19040761, 24599119). Therefore, this variant is classified as Pathogenic according to the recommendation of ACMG/AMP guideline.

Blueprint Genetics
Classification: Pathogenic for SLC26A4-related disorders. Last evaluated: 2024-09-25. Review status: criteria provided, single submitter. Criteria: ACMG Guidelines, 2015. Collection method: clinical testing. Allele origin: germline. Affected: yes. Observed: 5 variant alleles.

Baylor Genetics
Classification: Pathogenic for Autosomal recessive nonsyndromic hearing loss 4. Last evaluated: 2024-03-16. Review status: criteria provided, single submitter. Criteria: ACMG Guidelines, 2015. Collection method: clinical testing. Allele origin: unknown.

Fulgent Genetics
Classification: Pathogenic for Pendred syndrome; Autosomal recessive nonsyndromic hearing loss 4. Last evaluated: 2024-01-18. Review status: criteria provided, single submitter. Criteria: ACMG Guidelines, 2015. Collection method: clinical testing. Allele origin: germline.

GeneDx
Classification: Pathogenic. Last evaluated: 2022-12-28. Review status: criteria provided, single submitter. Criteria: GeneDx Variant Classification Process June 2021. Collection method: clinical testing. Allele origin: germline. Affected: yes.
Comment: Published functional studies demonstrate a damaging effect with intracellular retention and decreased protein activity in comparison to wild type (Yoon et al., 2008); In silico analysis, which includes protein predictors and evolutionary conservation, supports a deleterious effect; This variant is associated with the following publications: (PMID: 20842945, 19786220, 20583162, 23705809, 25266519, 22884721, 20826203, 23469187, 23755160, 24224479, 9618166, 27176802, 28583500, 27082237, 30693673, 32477112, 31599023, 34943631, 34943614, 11405873, 24007330, 22975760, 11502831, 21961810, 24338212, 26035154, 26100058, 26346818, 27384033, 26763877, 28990112, 28981942, 28786104, 28964290, 27374754, 28802383, 29234782, 28093008, 28052261, 17322586, 30282152, 29447821, 30589569, 30036422, 30733538, 31347505, 30842343, 31564438, 29650690, 31541171, 31827275, 32203226, 30896630, 32425884, 30275481, 32877901, 34170635, 32447495, 15905611, 32459320, 32645618, 32536503, 33597575, 33724713, 34006472, 35204885, 35276235, 35114279, 34801268, 35249537, 34545167, 18310264)

Women's Health and Genetics/Laboratory Corporation of America, LabCorp
Classification: Pathogenic for Pendred syndrome. Last evaluated: 2022-01-19. Review status: criteria provided, single submitter. Criteria: LabCorp Variant Classification Summary - May 2015. Collection method: clinical testing. Allele origin: germline.
Comment: Variant summary: SLC26A4 c.2168A>G (p.His723Arg) results in a non-conservative amino acid change located in the STAS domain of the encoded protein sequence. Five of five in-silico tools predict a damaging effect of the variant on protein function. The variant allele was found at a frequency of 0.00012 in 251294 control chromosomes. This frequency is not significantly higher than expected for a pathogenic variant in SLC26A4 causing Pendred Syndrome (0.00012 vs 0.0035), allowing no conclusion about variant significance. c.2168A>G has been reported in the literature in multiple individuals affected with Pendred Syndrome or hearing loss (e.g. Sagong_2012, Jung_2016). These data indicate that the variant is very likely to be associated with disease. Fifteen clinical diagnostic laboratories have submitted clinical-significance assessments for this variant to ClinVar after 2014 without evidence for independent evaluation. All laboratories classified the variant as pathogenic/likely pathogenic. Based on the evidence outlined above, the variant was classified as pathogenic.

Genome-Nilou Lab
Classification: Pathogenic for Autosomal recessive nonsyndromic hearing loss 4. Last evaluated: 2021-09-05. Review status: criteria provided, single submitter. Criteria: ACMG Guidelines, 2015. Collection method: clinical testing. Allele origin: germline. Affected: no.

Genome-Nilou Lab
Classification: Pathogenic for Pendred syndrome. Last evaluated: 2021-09-05. Review status: criteria provided, single submitter. Criteria: ACMG Guidelines, 2015. Collection method: clinical testing. Allele origin: germline. Affected: no.

NM_000441.2(SLC26A4):c.2168A>G (p.His723Arg)

Genes: SLC26A4 (solute carrier family 26 member 4; plus strand), LOC123956210 (Sharpr-MPRA regulatory region 3291; plus strand). Cytogenetic location: 7q22.3.
Variant type: single nucleotide variant.
Coding change: c.2168A>G on transcript NM_000441.2 (MANE Select); coding-DNA position 2168, A replaced by G.
Protein change: p.His723Arg; replaces histidine 723 with arginine.
Molecular consequence: missense variant.
Genome position (GRCh38, 1-based): chr7:107,710,132, A>G. VCF-style: chr7-107710132-A-G. GRCh37 (hg19) VCF-style: chr7-107350577-A-G.
Other names: short protein forms H723R.
Identifiers: ClinVar variation 4825 (VCV000004825.62), dbSNP rs121908362, ClinGen allele CA253307.